The following is an entry in ClinVar:

NM_001365951.3(KIF1B):c.3964A>G (p.Lys1322Glu)

Gene: KIF1B (kinesin family member 1B; plus strand). Cytogenetic location: 1p36.22.
Variant type: single nucleotide variant.
Coding change: c.3964A>G on transcript NM_001365951.3 (MANE Select); coding-DNA position 3964, A replaced by G.
Protein change: p.Lys1322Glu; replaces lysine 1322 with glutamic acid.
Molecular consequence: missense variant.
Genome position (GRCh38, 1-based): chr1:10,352,645, A>G. VCF-style: chr1-10352645-A-G. GRCh37 (hg19) VCF-style: chr1-10412703-A-G.
Other names: c.3964A>G, p.Lys1322Glu (NM_001365952.1); c.3826A>G, p.Lys1276Glu (NM_015074.3); short protein forms K1276E, K1322E.
Identifiers: ClinVar variation 1735298 (VCV001735298.2), dbSNP rs2521827945, ClinGen allele CA338344330.
Genomic context (GRCh38, chr1:10,352,645, plus strand): 5'-GTTTTCAAATGTGTCCGTGCTCTGTTTTTTTTATCCTTTCTTTTAGGTCGTATTCGGAAT[A>G]AGCCTGAGGTGGATGAAGCTGCAGTTGATGCCATCCTCTCCCTAAATATTATTTCTGCCA-3'
Protein context (NP_001352880.1, residues 1312-1332): RELVVGRIRN[Lys1322Glu]PEVDEAAVDA

ClinVar aggregate classification (germline): Uncertain significance (1 of 4 stars; one submission).

Submission:

Ambry Genetics
Classification: Uncertain significance. Last evaluated: 2021-04-06. Review status: criteria provided, single submitter. Criteria: Ambry Variant Classification Scheme 2023. Collection method: clinical testing. Allele origin: germline.
Comment: The p.K1276E variant (also known as c.3826A>G), located in coding exon 35 of the KIF1B gene, results from an A to G substitution at nucleotide position 3826. The lysine at codon 1276 is replaced by glutamic acid, an amino acid with similar properties. This amino acid position is highly conserved in available vertebrate species. In addition, the in silico prediction for this alteration is inconclusive. Since supporting evidence is limited at this time, the clinical significance of this alteration remains unclear.